The following is an entry in ClinVar:

NM_145068.4(TRPV3):c.936G>A (p.Thr312=)

Gene: TRPV3 (transient receptor potential cation channel subfamily V member 3; minus strand). Cytogenetic location: 17p13.2.
Variant type: single nucleotide variant.
Coding change: c.936G>A on transcript NM_145068.4 (MANE Select); coding-DNA position 936, G replaced by A.
Protein change: p.Thr312=; no amino-acid change (threonine 312 retained).
Molecular consequence: synonymous variant.
Genome position (GRCh38, 1-based): chr17:3,532,786, C>T on the plus strand (G>A on the coding strand, the complement: TRPV3 is on the minus strand). VCF-style: chr17-3532786-C-T. GRCh37 (hg19) VCF-style: chr17-3436080-C-T.
Other names: c.936G>A, p.Thr312= (NM_001258205.2).
Identifiers: ClinVar variation 322784 (VCV000322784.19), dbSNP rs395357, ClinGen allele CA8289663.

ClinVar aggregate classification (germline): Benign. Review status: criteria provided, multiple submitters, no conflicts (2 of 4 stars). 7 submissions from 6 submitters: Benign (7). Last evaluated 2026-02-04.

Conditions:
Olmsted syndrome 1. Identifiers: Orphanet 659, MedGen C5542829, MONDO:0100296, OMIM 614594.
Isolated focal non-epidermolytic palmoplantar keratoderma. Also called: Palmoplantar keratoderma, nonepidermolytic, focal 2. Identifiers: Orphanet 448264, MedGen C4225339, MONDO:0014622, OMIM 616400.

Allele frequency attached by ClinVar (database versions not stated): 1000 Genomes Project 30x 0.35244; 1000 Genomes Project 0.35603; TOPMed 0.40998; gnomAD exomes 0.42171; ExAC 0.42693; gnomAD 0.42800 and 0.43180; ESP Exome Variant Server 0.44195.
gnomAD v4.1: 752,012 of 1,614,018 alleles (47%); highest among the groups gnomAD compares: Non-Finnish European, 50%; 179,737 homozygotes.

Submissions (7):

Labcorp Genetics (formerly Invitae), Labcorp
Classification: Benign. Last evaluated: 2026-02-04. Review status: criteria provided, single submitter. Criteria: Invitae Variant Classification Sherloc (09022015). Collection method: clinical testing. Allele origin: germline.

Blueprint Genetics
Classification: Benign. Last evaluated: 2024-11-28. Review status: criteria provided, single submitter. Criteria: ACMG Guidelines, 2015. Collection method: clinical testing. Allele origin: germline.

Genome-Nilou Lab
Classification: Benign for Isolated focal non-epidermolytic palmoplantar keratoderma. Last evaluated: 2021-09-10. Review status: criteria provided, single submitter. Criteria: ACMG Guidelines, 2015. Collection method: clinical testing. Allele origin: germline. Affected: no.

Genome-Nilou Lab
Classification: Benign for Olmsted syndrome 1. Last evaluated: 2021-09-10. Review status: criteria provided, single submitter. Criteria: ACMG Guidelines, 2015. Collection method: clinical testing. Allele origin: germline. Affected: no.

GeneDx
Classification: Benign. Last evaluated: 2018-11-12. Review status: criteria provided, single submitter. Criteria: GeneDx Variant Classification Process June 2021. Collection method: clinical testing. Allele origin: germline. Affected: yes.

Illumina Laboratory Services, Illumina
Classification: Benign for Isolated focal non-epidermolytic palmoplantar keratoderma. Last evaluated: 2018-01-12. Review status: criteria provided, single submitter. Criteria: ICSL Variant Classification Criteria 13 December 2019. Collection method: clinical testing. Allele origin: germline.
Comment: This variant was observed in the ICSL laboratory as part of a predisposition screen in an ostensibly healthy population. It had not been previously curated by ICSL or reported in the Human Gene Mutation Database (HGMD: prior to June 1st, 2018), and was therefore a candidate for classification through an automated scoring system. Utilizing variant allele frequency, disease prevalence and penetrance estimates, and inheritance mode, an automated score was calculated to assess if this variant is too frequent to cause the disease. Based on the score and internal cut-off values, a variant classified as benign is not then subjected to further curation. The score for this variant resulted in a classification of benign for this disease.

Breakthrough Genomics
Classification: Benign. Review status: criteria provided, single submitter. Criteria: ACMG Guidelines, 2015. Collection method: not provided. Allele origin: germline. Inheritance: Autosomal dominant inheritance. Affected: yes.